The following is an entry in ClinVar:

ClinVar aggregate classification (germline): Uncertain significance. Review status: criteria provided, multiple submitters, no conflicts (2 of 4 stars). 3 submissions from 3 submitters: Uncertain significance (3). Last evaluated 2025-09-22.

Conditions:
POLD1-related polyposis and colorectal cancer syndrome (CRCS10). Also called: Colorectal cancer, susceptibility to, 10; Colorectal cancer 10; COLORECTAL CANCER, SUSCEPTIBILITY TO, ON CHROMOSOME 19q. Identifiers: Orphanet 220460, MedGen C2675481, MONDO:0012953, OMIM 612591.
Hereditary cancer-predisposing syndrome. Also called: Tumor predisposition; Hereditary Cancer Syndrome; Hereditary neoplastic syndrome; Neoplastic Syndromes, Hereditary. Identifiers: Orphanet 140162, MedGen C0027672, MeSH D009386, MONDO:0015356.

Submissions (3):

Labcorp Genetics (formerly Invitae), Labcorp
Classification: Uncertain significance for POLD1-related polyposis and colorectal cancer syndrome. Last evaluated: 2025-09-22. Review status: criteria provided, single submitter. Criteria: Invitae Variant Classification Sherloc (09022015). Collection method: clinical testing. Allele origin: germline.
Comment: This sequence change replaces lysine, which is basic and polar, with arginine, which is basic and polar, at codon 964 of the POLD1 protein (p.Lys964Arg). This variant is not present in population databases (gnomAD no frequency). This variant has not been reported in the literature in individuals affected with POLD1-related conditions. ClinVar contains an entry for this variant (Variation ID: 1309050). Invitae Evidence Modeling of protein sequence and biophysical properties (such as structural, functional, and spatial information, amino acid conservation, physicochemical variation, residue mobility, and thermodynamic stability) indicates that this missense variant is not expected to disrupt POLD1 protein function with a negative predictive value of 80%. In summary, the available evidence is currently insufficient to determine the role of this variant in disease. Therefore, it has been classified as a Variant of Uncertain Significance.

Ambry Genetics
Classification: Uncertain significance for Hereditary cancer-predisposing syndrome. Last evaluated: 2023-09-12. Review status: criteria provided, single submitter. Criteria: Ambry Variant Classification Scheme 2023. Collection method: clinical testing. Allele origin: germline.
Comment: The p.K964R variant (also known as c.2891A>G), located in coding exon 22 of the POLD1 gene, results from an A to G substitution at nucleotide position 2891. The lysine at codon 964 is replaced by arginine, an amino acid with highly similar properties. This amino acid position is conserved. In addition, this alteration is predicted to be tolerated by in silico analysis. Since supporting evidence is limited at this time, the clinical significance of this alteration remains unclear.

GeneDx
Classification: Uncertain significance. Last evaluated: 2019-10-01. Review status: criteria provided, single submitter. Criteria: GeneDx Variant Classification Process June 2021. Collection method: clinical testing. Allele origin: germline. Affected: yes.
Comment: Not observed in large population cohorts (Lek 2016); In silico analysis, which includes protein predictors and evolutionary conservation, supports a deleterious effect; Has not been previously published as pathogenic or benign to our knowledge

NM_002691.4(POLD1):c.2891A>G (p.Lys964Arg)

Gene: POLD1 (DNA polymerase delta 1, catalytic subunit; plus strand). Cytogenetic location: 19q13.33.
Variant type: single nucleotide variant.
Coding change: c.2891A>G on transcript NM_002691.4 (MANE Select); coding-DNA position 2891, A replaced by G.
Protein change: p.Lys964Arg; replaces lysine 964 with arginine.
Molecular consequence: missense variant. On other transcripts: non-coding transcript variant (1).
Genome position (GRCh38, 1-based): chr19:50,416,466, A>G. VCF-style: chr19-50416466-A-G. GRCh37 (hg19) VCF-style: chr19-50919723-A-G.
Other names: c.2891A>G, p.Lys964Arg (NM_001256849.1); c.2969A>G, p.Lys990Arg (NM_001308632.1); short protein forms K964R, K990R.
Identifiers: ClinVar variation 1309050 (VCV001309050.8), dbSNP rs2122491287, ClinGen allele CA406986478.